The following is an entry in ClinVar:

NM_000219.6(KCNE1):c.335A>G (p.His112Arg)

Gene: KCNE1 (potassium voltage-gated channel subfamily E regulatory subunit 1; minus strand). Cytogenetic location: 21q22.12.
Variant type: single nucleotide variant.
Coding change: c.335A>G on transcript NM_000219.6 (MANE Select); coding-DNA position 335, A replaced by G.
Protein change: p.His112Arg; replaces histidine 112 with arginine.
Molecular consequence: missense variant.
Genome position (GRCh38, 1-based): chr21:34,449,300, T>C on the plus strand (A>G on the coding strand, the complement: KCNE1 is on the minus strand). VCF-style: chr21-34449300-T-C. GRCh37 (hg19) VCF-style: chr21-35821598-T-C.
Other names: c.335A>G, p.His112Arg (NM_001127668.4, NM_001127669.4, NM_001127670.4 and 4 more transcripts); short protein forms H112R.
Identifiers: ClinVar variation 692249 (VCV000692249.8), dbSNP rs1352531511, ClinGen allele CA410197994.
Genomic context (GRCh38, chr21:34,449,300, plus strand): 5'-GGGGTTCATGGGGAAGGCTTCGTCTCAGGAAGGTGTGTGTTGGGTTGTTCTATGGCCAGA[T>C]GGTTTTCAACGACATAGCACGACCTGTAGCTCTCCAGGACCCGGGCCTGGACATAGGCCT-3'
Protein context (NP_000210.2, residues 102-122): SYRSCYVVEN[His112Arg]LAIEQPNTHL

ClinVar aggregate classification (germline): Uncertain significance. Review status: criteria provided, multiple submitters, no conflicts (2 of 4 stars). 3 submissions from 3 submitters: Uncertain significance (3). Last evaluated 2022-08-01.

Conditions:
Cardiovascular phenotype. Identifiers: MedGen CN230736.
Long QT syndrome 5 (LQT5). Identifiers: Orphanet 101016, Orphanet 768, MedGen C1867904, MONDO:0013372, OMIM 613695.
Long QT syndrome (LQTS). Identifiers: MedGen C0023976, MeSH D008133, MONDO:0002442. Disease mechanism: loss of function. Inheritance: Various modes of inheritance.

Allele frequency attached by ClinVar (database versions not stated): gnomAD exomes below 0.00001; TOPMed below 0.00001.

Submissions (4):

Ambry Genetics
Classification: Uncertain significance for Cardiovascular phenotype. Last evaluated: 2022-08-01. Review status: criteria provided, single submitter. Criteria: Ambry Variant Classification Scheme 2023. Collection method: clinical testing. Allele origin: germline.
Comment: The p.H112R variant (also known as c.335A>G), located in coding exon 1 of the KCNE1 gene, results from an A to G substitution at nucleotide position 335. The histidine at codon 112 is replaced by arginine, an amino acid with highly similar properties. This amino acid position is conserved. In addition, this alteration is predicted to be tolerated by in silico analysis. Since supporting evidence is limited at this time, the clinical significance of this alteration remains unclear.

Labcorp Genetics (formerly Invitae), Labcorp
Classification: Uncertain significance for Long QT syndrome. Last evaluated: 2021-08-30. Review status: criteria provided, single submitter. Criteria: Invitae Variant Classification Sherloc (09022015). Collection method: clinical testing. Allele origin: germline.
Comment: This sequence change replaces histidine with arginine at codon 112 of the KCNE1 protein (p.His112Arg). The histidine residue is weakly conserved and there is a small physicochemical difference between histidine and arginine. This variant is not present in population databases (ExAC no frequency). This variant has not been reported in the literature in individuals affected with KCNE1-related conditions. ClinVar contains an entry for this variant (Variation ID: 692249). Algorithms developed to predict the effect of missense changes on protein structure and function (SIFT, PolyPhen-2, Align-GVGD) all suggest that this variant is likely to be tolerated. In summary, the available evidence is currently insufficient to determine the role of this variant in disease. Therefore, it has been classified as a Variant of Uncertain Significance.

MVZ Martinsried, Medicover Genetics
Classification: Uncertain significance for Long QT syndrome 5. Last evaluated: 2019-05-24. Review status: criteria provided, single submitter. Criteria: ACMG Guidelines, 2015. Collection method: clinical testing. Allele origin: unknown. Affected: yes.

Roden Lab, Vanderbilt University Medical Center
No classification provided (evidence only). Condition: Long QT syndrome 5. Review status: no classification provided. Collection method: in vitro. Allele origin: not applicable. Functional consequence: Effect on ion channel function. Not counted in ClinVar's aggregate classification.
ClinVar note: "not provided" was previously submitted as the classification for the variant. However, the classification appeared to be based only on an observation of functional data so it was converted to no classification on 2025-07-30.